The following is an entry in ClinVar:

ClinVar aggregate classification (germline): Likely benign (1 of 4 stars; one submission).

Submission:

CeGaT Center for Human Genetics Tuebingen
Classification: Likely benign. Last evaluated: 2024-11-01. Review status: criteria provided, single submitter. Criteria: CeGaT Center For Human Genetics Tuebingen Variant Classification Criteria Version 2. Collection method: clinical testing. Allele origin: germline. Affected: yes. Observed: 1 variant allele.
Comment: NUTM2B: BP4, BP7

NM_001278495.2(NUTM2B):c.891T>C (p.Asn297=)

Genes: NUTM2B (NUT family member 2B; plus strand), NUTM2B-AS1 (NUTM2B antisense RNA 1; minus strand). Cytogenetic location: 10q22.3.
Variant type: single nucleotide variant.
Coding change: c.891T>C on transcript NM_001278495.2 (MANE Select); coding-DNA position 891, T replaced by C.
Protein change: p.Asn297=; no amino-acid change (asparagine 297 retained).
Molecular consequence: synonymous variant.
Genome position (GRCh38, 1-based): chr10:79,706,550, T>C. VCF-style: chr10-79706550-T-C. GRCh37 (hg19) VCF-style: chr10-81466306-T-C.
Identifiers: ClinVar variation 3390218 (VCV003390218.14).